The following is an entry in ClinVar:

NM_000057.4(BLM):c.2069C>T (p.Pro690Leu)

Gene: BLM (BLM RecQ like helicase; plus strand). Cytogenetic location: 15q26.1.
Variant type: single nucleotide variant.
Coding change: c.2069C>T on transcript NM_000057.4 (MANE Select); coding-DNA position 2069, C replaced by T.
Protein change: p.Pro690Leu; replaces proline 690 with leucine.
Molecular consequence: missense variant.
Genome position (GRCh38, 1-based): chr15:90,763,152, C>T. VCF-style: chr15-90763152-C-T. GRCh37 (hg19) VCF-style: chr15-91306382-C-T.
Other names: c.2069C>T (LRG_20t1); c.2069C>T, p.Pro690Leu (NM_001287246.2, NM_001287247.2); c.944C>T, p.Pro315Leu (NM_001287248.2); short protein forms P690L, P315L.
Identifiers: ClinVar variation 454092 (VCV000454092.12), dbSNP rs761589072, ClinGen allele CA7738638.

ClinVar aggregate classification (germline): Uncertain significance. Review status: criteria provided, multiple submitters, no conflicts (2 of 4 stars). 5 submissions from 5 submitters: Uncertain significance (3). 2 of the submissions do not count toward it. Last evaluated 2025-06-30.

Conditions:
Hereditary cancer-predisposing syndrome. Also called: Hereditary Cancer Syndrome; Hereditary neoplastic syndrome; Neoplastic Syndromes, Hereditary; Tumor predisposition. Identifiers: Orphanet 140162, MedGen C0027672, MeSH D009386, MONDO:0015356.
Bloom syndrome (BLM). Also called: Bloom-Torre-Machacek syndrome. Identifiers: Orphanet 125, MedGen C0005859, MONDO:0008876, OMIM 210900.

Allele frequency attached by ClinVar (database versions not stated): gnomAD exomes below 0.00001 and 0.00001; ExAC 0.00001; TOPMed 0.00001.
gnomAD v4.1: 14 of 1,613,700 alleles (0.00087%); highest among the groups gnomAD compares: East Asian, 0.0022%; no homozygotes.

Submissions (5):

Labcorp Genetics (formerly Invitae), Labcorp
Classification: Uncertain significance for Bloom syndrome. Last evaluated: 2025-06-30. Review status: criteria provided, single submitter. Criteria: Invitae Variant Classification Sherloc (09022015). Collection method: clinical testing. Allele origin: germline.
Comment: This sequence change replaces proline, which is neutral and non-polar, with leucine, which is neutral and non-polar, at codon 690 of the BLM protein (p.Pro690Leu). This variant is present in population databases (rs761589072, gnomAD 0.007%). This missense change has been observed in individual(s) with colorectal cancer (PMID: 17407155, 30871259). ClinVar contains an entry for this variant (Variation ID: 454092). Invitae Evidence Modeling of protein sequence and biophysical properties (such as structural, functional, and spatial information, amino acid conservation, physicochemical variation, residue mobility, and thermodynamic stability) indicates that this missense variant is expected to disrupt BLM protein function with a positive predictive value of 80%. Experimental studies have shown that this missense change affects BLM function (PMID: 2678854, 23129629). In summary, the available evidence is currently insufficient to determine the role of this variant in disease. Therefore, it has been classified as a Variant of Uncertain Significance.

Ambry Genetics
Classification: Uncertain significance for Hereditary cancer-predisposing syndrome. Last evaluated: 2024-02-27. Review status: criteria provided, single submitter. Criteria: Ambry Variant Classification Scheme 2023. Collection method: clinical testing. Allele origin: germline.
Comment: The p.P690L variant (also known as c.2069C>T), located in coding exon 7 of the BLM gene, results from a C to T substitution at nucleotide position 2069. The proline at codon 690 is replaced by leucine, an amino acid with similar properties. This alteration has been reported in the heterozygous state in an individual with Bloom syndrome. The presence of another BLM alteration in this individual is not mentioned by study authors (German J et al. Hum. Mutat., 2007 Aug;28:743-53). This alteration has demonstrated functional impairment with respect to chromosome maintenance, DNA damage response and sensitivity to DNA damaging agents (Mirzaei H et al. Proc. Natl. Acad. Sci. U.S.A., 2012 Nov;109:19357-62; Shastri VM et al. Mol Genet Genomic Med, 2016 Jan;4:106-19). This alteration has also been identified in the germline of an individual from a familial colorectal cancer cohort that underwent whole exome sequencing (D&iacute;az-Gay M et al. Cancers (Basel), 2019 03;11:). This amino acid position is highly conserved in available vertebrate species. In addition, this alteration is predicted to be deleterious by in silico analysis. Since supporting evidence is limited at this time, the clinical significance of this alteration remains unclear.

GeneDx
Classification: Uncertain significance. Last evaluated: 2022-11-21. Review status: criteria provided, single submitter. Criteria: GeneDx Variant Classification Process June 2021. Collection method: clinical testing. Allele origin: germline. Affected: yes.
Comment: Not observed at significant frequency in large population cohorts (gnomAD); In silico analysis supports that this missense variant has a deleterious effect on protein structure/function; Published functional studies support a damaging effect: hypersensitivity to hydroxyurea (HU) and no significant reduction in SCE frequency or formation of quadriradical chromosomes (Mirzaei et al., 2012; Shastri et al., 2016); Observed in individuals with a personal or family history of colorectal cancer (Daz-Gay et al., 2019); This variant is associated with the following publications: (PMID: 24816114, 30871259, 17407155, 23129629, 26788541, 32704157)

Natera, Inc.
Classification: Uncertain significance for Bloom syndrome. Last evaluated: 2020-09-16. Review status: no assertion criteria provided. Collection method: clinical testing. Allele origin: germline. Not counted in ClinVar's aggregate classification.

Counsyl
Classification: Uncertain significance for Bloom syndrome. Last evaluated: 2017-08-10. Review status: no assertion criteria provided. Collection method: clinical testing. Allele origin: unknown. Not counted in ClinVar's aggregate classification.

Literature cited by the submitters: PubMed 17407155 (cited by Labcorp Genetics (formerly Invitae), Labcorp and Ambry Genetics); PubMed 30871259 (cited by Labcorp Genetics (formerly Invitae), Labcorp and Ambry Genetics); PubMed 2678854 (cited by Labcorp Genetics (formerly Invitae), Labcorp); PubMed 23129629 (cited by 3 submitters); PubMed 24816114 (cited by Ambry Genetics); PubMed 26788541 (cited by Ambry Genetics).